The following is an entry in ClinVar:

NM_001005242.3(PKP2):c.1760delinsTCC (p.Tyr587fs)

Gene: PKP2 (plakophilin 2; minus strand). Cytogenetic location: 12p11.21.
Variant type: Indel.
Coding change: c.1760delinsTCC on transcript NM_001005242.3 (MANE Select); coding-DNA position 1760, A replaced by TCC.
Protein change: p.Tyr587fs; shifts the reading frame from tyrosine 587.
Molecular consequence: frameshift variant. On other transcripts: intron variant (1).
Genome position (GRCh38, 1-based): chr12:32,822,546, T replaced by GGA on the plus strand (A replaced by TCC on the coding strand, the reverse complement: PKP2 is on the minus strand). VCF-style: chr12-32822546-T-GGA. GRCh37 (hg19) VCF-style: chr12-32975480-T-GGA.
Other names: c.1433delinsTCC, p.Tyr478fs (NM_001407159.1, NM_001407160.1, NM_001407162.1 and 1 more transcripts); c.1760delinsTCC, p.Tyr587fs (NM_001407161.1, NM_001407155.1); c.1892delAinsTCC, p.Tyr631Phefs (NM_004572.3); c.1892delinsTCC, p.Tyr631fs (NM_004572.4, NM_001407157.1); c.1675-1017delinsTCC (NM_001407156.1); short protein forms Y478fs, Y587fs, Y631fs.
Identifiers: ClinVar variation 2574443 (VCV002574443.1), dbSNP rs2541231730, ClinGen allele CA2580615157.
Genomic context (GRCh38, chr12:32,822,546, plus strand): 5'-CGACTGCCAAAACATCCAATACTTTTGTTGTTGTCAGTCTGGATATTCCGGTTTTGAATA[T>GGA]AGATATTCTGGGAATATTTCTCTGGGAGCTCTGCCTCCAGCTGGTAGGAGAGGTTATGAA-3'

ClinVar aggregate classification (germline): Likely pathogenic (1 of 4 stars; one submission).

Submission:

GeneDx
Classification: Likely pathogenic. Last evaluated: 2023-01-26. Review status: criteria provided, single submitter. Criteria: GeneDx Variant Classification Process June 2021. Collection method: clinical testing. Allele origin: germline. Affected: yes.
Comment: Has been reported in a patient from a cohort of individuals with AVRC; additional patient specific details were not specific in this report (Walsh et al., 2017); Frameshift variant predicted to result in protein truncation or nonsense mediated decay in a gene for which loss of function is a known mechanism of disease; Not observed at significant frequency in large population cohorts (gnomAD); This variant is associated with the following publications: (PMID: 31402444, 27532257)